The following is an entry in ClinVar:

NM_000751.3(CHRND):c.599T>C (p.Ile200Thr)

Gene: CHRND (cholinergic receptor nicotinic delta subunit; plus strand). Cytogenetic location: 2q37.1.
Variant type: single nucleotide variant.
Coding change: c.599T>C on transcript NM_000751.3 (MANE Select); coding-DNA position 599, T replaced by C.
Protein change: p.Ile200Thr; replaces isoleucine 200 with threonine.
Molecular consequence: missense variant. On other transcripts: intron variant (1).
Genome position (GRCh38, 1-based): chr2:232,528,951, T>C. VCF-style: chr2-232528951-T-C. GRCh37 (hg19) VCF-style: chr2-233393661-T-C.
Other names: c.554T>C, p.Ile185Thr (NM_001256657.2); c.296T>C, p.Ile99Thr (NM_001311196.2); c.238+295T>C (NM_001311195.2); c.599T>C (NM_000751.2); short protein forms I185T, I200T, I99T.
Identifiers: ClinVar variation 4700588 (VCV004700588.3).

ClinVar aggregate classification (germline): Uncertain significance. Review status: criteria provided, multiple submitters, no conflicts (2 of 4 stars). 3 submissions from 3 submitters: Uncertain significance (3). Last evaluated 2026-02-04.

Conditions:
Lethal multiple pterygium syndrome (LMPS). Identifiers: Orphanet 33108, MedGen C1854678, MONDO:0009668, OMIM 253290.

Submissions (3):

GeneDx
Classification: Uncertain significance. Last evaluated: 2026-02-04. Review status: criteria provided, single submitter. Criteria: GeneDx Variant Classification Process June 2021. Collection method: clinical testing. Allele origin: germline.
Comment: Not observed at significant frequency in large population cohorts (gnomAD); In silico analysis supports that this missense variant has a deleterious effect on protein structure/function; Has not been previously published as pathogenic or benign to our knowledge

Labcorp Genetics (formerly Invitae), Labcorp
Classification: Uncertain significance for Lethal multiple pterygium syndrome. Last evaluated: 2025-04-04. Review status: criteria provided, single submitter. Criteria: Invitae Variant Classification Sherloc (09022015). Collection method: clinical testing. Allele origin: germline.
Comment: This sequence change replaces isoleucine, which is neutral and non-polar, with threonine, which is neutral and polar, at codon 200 of the CHRND protein (p.Ile200Thr). This variant is not present in population databases (gnomAD no frequency). This variant has not been reported in the literature in individuals affected with CHRND-related conditions. Invitae Evidence Modeling of protein sequence and biophysical properties (such as structural, functional, and spatial information, amino acid conservation, physicochemical variation, residue mobility, and thermodynamic stability) has been performed for this missense variant. However, the output from this modeling did not meet the statistical confidence thresholds required to predict the impact of this variant on CHRND protein function. In summary, the available evidence is currently insufficient to determine the role of this variant in disease. Therefore, it has been classified as a Variant of Uncertain Significance.

Blueprint Genetics
Classification: Uncertain significance. Last evaluated: 2022-07-25. Review status: criteria provided, single submitter. Criteria: ACMG Guidelines, 2015. Collection method: clinical testing. Allele origin: germline.